The following is an entry in ClinVar:

NM_016219.5(MAN1B1):c.730+5G>A

Gene: MAN1B1 (mannosidase alpha class 1B member 1; plus strand). Cytogenetic location: 9q34.3.
Variant type: single nucleotide variant.
Coding change: c.730+5G>A on transcript NM_016219.5 (MANE Select); 5 bases into the intron after coding-DNA position 730, G replaced by A.
Molecular consequence: intron variant.
Genome position (GRCh38, 1-based): chr9:137,097,942, G>A. VCF-style: chr9-137097942-G-A. GRCh37 (hg19) VCF-style: chr9-139992394-G-A.
Identifiers: ClinVar variation 1991557 (VCV001991557.4), dbSNP rs1396266266, ClinGen allele CA591200847.

ClinVar aggregate classification (germline): Uncertain significance (1 of 4 stars; one submission).

Conditions:
Rafiq syndrome (RAFQS). Identifiers: Orphanet 88616, MedGen C3280127, MONDO:0013624, OMIM 614202.

Allele frequency attached by ClinVar (database versions not stated): gnomAD 0.00001.
gnomAD v4.1: 3 of 1,548,604 alleles (0.00019%); highest among the groups gnomAD compares: Non-Finnish European, 0.00026%; no homozygotes.

Submission:

Labcorp Genetics (formerly Invitae), Labcorp
Classification: Uncertain significance for Rafiq syndrome. Last evaluated: 2023-06-29. Review status: criteria provided, single submitter. Criteria: Invitae Variant Classification Sherloc (09022015). Collection method: clinical testing. Allele origin: germline.
Comment: This variant is not present in population databases (gnomAD no frequency). In summary, the available evidence is currently insufficient to determine the role of this variant in disease. Therefore, it has been classified as a Variant of Uncertain Significance. Variants that disrupt the consensus splice site are a relatively common cause of aberrant splicing (PMID: 17576681, 9536098). Algorithms developed to predict the effect of sequence changes on RNA splicing suggest that this variant is not likely to affect RNA splicing. ClinVar contains an entry for this variant (Variation ID: 1991557). This variant has not been reported in the literature in individuals affected with MAN1B1-related conditions. This sequence change falls in intron 5 of the MAN1B1 gene. It does not directly change the encoded amino acid sequence of the MAN1B1 protein. It affects a nucleotide within the consensus splice site.

Literature cited by the submitters: PubMed 17576681; PubMed 9536098.